The following is an entry in ClinVar:

ClinVar aggregate classification (germline): Uncertain significance (1 of 4 stars; one submission).

Submission:

Labcorp Genetics (formerly Invitae), Labcorp
Classification: Uncertain significance. Last evaluated: 2021-06-07. Review status: criteria provided, single submitter. Criteria: Invitae Variant Classification Sherloc (09022015). Collection method: clinical testing. Allele origin: germline.
Comment: In summary, the available evidence is currently insufficient to determine the role of this variant in disease. Therefore, it has been classified as a Variant of Uncertain Significance. Algorithms developed to predict the effect of missense changes on protein structure and function (SIFT, PolyPhen-2, Align-GVGD) all suggest that this variant is likely to be disruptive, but these predictions have not been confirmed by published functional studies and their clinical significance is uncertain. This variant has not been reported in the literature in individuals with C1QB-related conditions. This variant is not present in population databases (ExAC no frequency). This sequence change replaces glycine with alanine at codon 57 of the C1QB protein (p.Gly57Ala). The glycine residue is highly conserved and there is a small physicochemical difference between glycine and alanine.

NM_001378156.1(C1QB):c.164G>C (p.Gly55Ala)

Gene: C1QB (complement C1q B chain; plus strand). Cytogenetic location: 1p36.12.
Variant type: single nucleotide variant.
Coding change: c.164G>C on transcript NM_001378156.1 (MANE Select); coding-DNA position 164, G replaced by C.
Protein change: p.Gly55Ala; replaces glycine 55 with alanine.
Molecular consequence: missense variant.
Genome position (GRCh38, 1-based): chr1:22,659,626, G>C. VCF-style: chr1-22659626-G-C. GRCh37 (hg19) VCF-style: chr1-22986119-G-C.
Other names: c.170G>C, p.Gly57Ala (NM_000491.5); c.164G>C, p.Gly55Ala (NM_001371184.3); short protein forms G55A, G57A.
Identifiers: ClinVar variation 1348633 (VCV001348633.8), dbSNP rs1642591589, ClinGen allele CA338945040.